The following is an entry in ClinVar:

NM_001164508.2(NEB):c.22567G>C (p.Asp7523His)

Genes: NEB (nebulin; minus strand), RIF1 (replication timing regulatory factor 1; plus strand). Cytogenetic location: 2q23.3.
Variant type: single nucleotide variant.
Coding change: c.22567G>C on transcript NM_001164508.2 (MANE Select); coding-DNA position 22567, G replaced by C.
Protein change: p.Asp7523His; replaces aspartic acid 7523 with histidine.
Molecular consequence: missense variant.
Genome position (GRCh38, 1-based): chr2:151,519,681, C>G on the plus strand (G>C on the coding strand, the complement: NEB is on the minus strand). VCF-style: chr2-151519681-C-G. GRCh37 (hg19) VCF-style: chr2-152376195-C-G.
Other names: c.22567G>C, p.Asp7523His (NM_001164507.2); c.22672G>C, p.Asp7558His (NM_001271208.2); c.17464G>C, p.Asp5822His (NM_004543.5); short protein forms D7523H, D7558H, D5822H.
Identifiers: ClinVar variation 1380266 (VCV001380266.8), dbSNP rs2153395893, ClinGen allele CA348761526.

ClinVar aggregate classification (germline): Uncertain significance (1 of 4 stars; one submission).

Conditions:
Nemaline myopathy 2 (NEM2). Also called: Nemaline myopathy 2, autosomal recessive. Identifiers: MedGen C1850569, MONDO:0009725, OMIM 256030.

gnomAD v4.1: 1 of 1,611,464 alleles (0.000062%); highest among the groups gnomAD compares: Non-Finnish European, 0.000085%; no homozygotes.

Submission:

Labcorp Genetics (formerly Invitae), Labcorp
Classification: Uncertain significance for Nemaline myopathy 2. Last evaluated: 2021-03-24. Review status: criteria provided, single submitter. Criteria: Invitae Variant Classification Sherloc (09022015). Collection method: clinical testing. Allele origin: germline.
Comment: This sequence change replaces aspartic acid with histidine at codon 7558 of the NEB protein (p.Asp7558His). The aspartic acid residue is moderately conserved and there is a moderate physicochemical difference between aspartic acid and histidine. This variant is not present in population databases (ExAC no frequency). This variant has not been reported in the literature in individuals with NEB-related conditions. Algorithms developed to predict the effect of missense changes on protein structure and function are either unavailable or do not agree on the potential impact of this missense change (SIFT: "Deleterious"; PolyPhen-2: "Not Available"; Align-GVGD: "Class C0"). In summary, the available evidence is currently insufficient to determine the role of this variant in disease. Therefore, it has been classified as a Variant of Uncertain Significance.